The following is an entry in ClinVar:

NM_024537.4(CARS2):c.37C>G (p.Pro13Ala)

Genes: CARS2 (cysteinyl-tRNA synthetase 2, mitochondrial; minus strand), LOC130010127 (ATAC-STARR-seq lymphoblastoid silent region 5509; plus strand). Cytogenetic location: 13q34.
Variant type: single nucleotide variant.
Coding change: c.37C>G on transcript NM_024537.4 (MANE Select); coding-DNA position 37, C replaced by G.
Protein change: p.Pro13Ala; replaces proline 13 with alanine.
Molecular consequence: missense variant. On other transcripts: non-coding transcript variant (1), intron variant (1).
Genome position (GRCh38, 1-based): chr13:110,706,057, G>C on the plus strand (C>G on the coding strand, the complement: CARS2 is on the minus strand). VCF-style: chr13-110706057-G-C. GRCh37 (hg19) VCF-style: chr13-111358404-G-C.
Other names: c.37C>G, p.Pro13Ala (NM_001352253.3); c.-776+314C>G (NM_001352252.2); short protein forms P13A.
Identifiers: ClinVar variation 842223 (VCV000842223.6), dbSNP rs1044669719, ClinGen allele CA256331145.

ClinVar aggregate classification (germline): Uncertain significance (1 of 4 stars; one submission).

Conditions:
Combined oxidative phosphorylation defect type 27. Also called: Combined oxidative phosphorylation deficiency 27. Identifiers: Orphanet 477774, MedGen C5567608, MONDO:0014728, OMIM 616672.

Allele frequency attached by ClinVar (database versions not stated): gnomAD exomes 0.00005; TOPMed 0.00011.
gnomAD v4.1: 34 of 1,359,812 alleles (0.0025%); highest among the groups gnomAD compares: African/African-American, 0.043%; no homozygotes.

Submission:

Labcorp Genetics (formerly Invitae), Labcorp
Classification: Uncertain significance for Combined oxidative phosphorylation defect type 27. Last evaluated: 2024-10-22. Review status: criteria provided, single submitter. Criteria: Invitae Variant Classification Sherloc (09022015). Collection method: clinical testing. Allele origin: germline.
Comment: This sequence change replaces proline, which is neutral and non-polar, with alanine, which is neutral and non-polar, at codon 13 of the CARS2 protein (p.Pro13Ala). This variant is present in population databases (no rsID available, gnomAD 0.02%). This variant has not been reported in the literature in individuals affected with CARS2-related conditions. ClinVar contains an entry for this variant (Variation ID: 842223). Experimental studies and prediction algorithms are not available or were not evaluated, and the functional significance of this variant is currently unknown. In summary, the available evidence is currently insufficient to determine the role of this variant in disease. Therefore, it has been classified as a Variant of Uncertain Significance.